The following is an entry in ClinVar:

NC_000006.11:g.(?_56340937)_(56342296_?)del

Gene: DST (dystonin; minus strand). Cytogenetic location: 6p12.1.
Variant type: Deletion.
Identifiers: ClinVar variation 1410472 (VCV001410472.4).

ClinVar aggregate classification (germline): Uncertain significance (1 of 4 stars; one submission).

Conditions:
Hereditary sensory and autonomic neuropathy type 6. Also called: Neuropathy, hereditary sensory and autonomic, type VI; HSAN VI. Identifiers: Orphanet 314381, MedGen C3539003, MONDO:0013839, OMIM 614653.
Epidermolysis bullosa simplex 3, localized or generalized intermediate, with BP230 deficiency (EBS3). Also called: Epidermolysis bullosa simplex, autosomal recessive 2; Epidermolysis bullosa simplex due to BP230 deficiency. Identifiers: Orphanet 412181, MedGen C3809470, MONDO:0014180, OMIM 615425.

Submission:

Labcorp Genetics (formerly Invitae), Labcorp
Classification: Uncertain significance for Epidermolysis bullosa simplex 3, localized or generalized intermediate, with BP230 deficiency; Hereditary sensory and autonomic neuropathy type 6. Last evaluated: 2020-10-28. Review status: criteria provided, single submitter. Criteria: Invitae Variant Classification Sherloc (09022015). Collection method: clinical testing. Allele origin: germline.
Comment: In summary, the available evidence is currently insufficient to determine the role of this variant in disease. Therefore, it has been classified as a Variant of Uncertain Significance. This variant has not been reported in the literature in individuals with DST-related conditions. This variant is a gross deletion of the genomic region encompassing exon(s) 72-73 of the DST gene. The DST gene has multiple clinically relevant transcripts. This variant occurs in alternate transcript NM_015548.4, and corresponds to a deletion within a non-coding region in NM_001723.5 in the primary transcript. This variant would be expected to be in-frame, preserving the integrity of the reading frame.